The following is an entry in ClinVar:

ClinVar aggregate classification (germline): Uncertain significance (1 of 4 stars; one submission).

Conditions:
Early-infantile DEE. Also called: Early infantile epileptic encephalopathy; Ohtahara syndrome; Early infantile epileptic encephalopathy with suppression bursts. Identifiers: Orphanet 1934, MedGen C0393706, MONDO:0800491.

Submission:

Labcorp Genetics (formerly Invitae), Labcorp
Classification: Uncertain significance for Early-infantile DEE. Last evaluated: 2024-03-15. Review status: criteria provided, single submitter. Criteria: Invitae Variant Classification Sherloc (09022015). Collection method: clinical testing. Allele origin: germline.
Comment: This sequence change replaces threonine, which is neutral and polar, with alanine, which is neutral and non-polar, at codon 1315 of the SPTAN1 protein (p.Thr1315Ala). This variant is not present in population databases (gnomAD no frequency). This variant has not been reported in the literature in individuals affected with SPTAN1-related conditions. Advanced modeling of protein sequence and biophysical properties (such as structural, functional, and spatial information, amino acid conservation, physicochemical variation, residue mobility, and thermodynamic stability) has been performed at Invitae for this missense variant, however the output from this modeling did not meet the statistical confidence thresholds required to predict the impact of this variant on SPTAN1 protein function. In summary, the available evidence is currently insufficient to determine the role of this variant in disease. Therefore, it has been classified as a Variant of Uncertain Significance.

NM_001130438.3(SPTAN1):c.3943A>G (p.Thr1315Ala)

Gene: SPTAN1 (spectrin alpha, non-erythrocytic 1; plus strand). Cytogenetic location: 9q34.11.
Variant type: single nucleotide variant.
Coding change: c.3943A>G on transcript NM_001130438.3 (MANE Select); coding-DNA position 3943, A replaced by G.
Protein change: p.Thr1315Ala; replaces threonine 1315 with alanine.
Molecular consequence: missense variant.
Genome position (GRCh38, 1-based): chr9:128,605,374, A>G. VCF-style: chr9-128605374-A-G. GRCh37 (hg19) VCF-style: chr9-131367653-A-G.
Other names: c.3883A>G, p.Thr1295Ala (NM_001195532.2, NM_001363765.2, NM_001375314.2); c.3943A>G, p.Thr1315Ala (NM_001363759.2, NM_001375310.1, NM_001375311.2 and 2 more transcripts); c.3979A>G, p.Thr1327Ala (NM_001375312.2, NM_001375318.1); short protein forms T1315A, T1295A, T1327A.
Identifiers: ClinVar variation 3635913 (VCV003635913.2).